The following is an entry in ClinVar:

ClinVar aggregate classification (germline): Pathogenic (1 of 4 stars; one submission).

Allele frequency attached by ClinVar (database versions not stated): gnomAD exomes below 0.00001.
gnomAD v4.1: 2 of 1,590,168 alleles (0.00013%); highest among the groups gnomAD compares: Non-Finnish European, 0.00017%; no homozygotes.

Submission:

Labcorp Genetics (formerly Invitae), Labcorp
Classification: Pathogenic. Last evaluated: 2023-01-13. Review status: criteria provided, single submitter. Criteria: Invitae Variant Classification Sherloc (09022015). Collection method: clinical testing. Allele origin: germline.
Comment: This sequence change creates a premature translational stop signal (p.Gln711*) in the PNPT1 gene. It is expected to result in an absent or disrupted protein product. Loss-of-function variants in PNPT1 are known to be pathogenic (PMID: 28594066, 30244537). This variant is not present in population databases (gnomAD no frequency). This variant has not been reported in the literature in individuals affected with PNPT1-related conditions. For these reasons, this variant has been classified as Pathogenic.

Literature cited by the submitters: PubMed 28594066; PubMed 30244537.

NM_033109.5(PNPT1):c.2131C>T (p.Gln711Ter)

Gene: PNPT1 (polyribonucleotide nucleotidyltransferase 1; minus strand). Cytogenetic location: 2p16.1.
Variant type: single nucleotide variant.
Coding change: c.2131C>T on transcript NM_033109.5 (MANE Select); coding-DNA position 2131, C replaced by T.
Protein change: p.Gln711Ter; replaces glutamine 711 with a stop codon.
Molecular consequence: nonsense.
Genome position (GRCh38, 1-based): chr2:55,640,644, G>A on the plus strand (C>T on the coding strand, the complement: PNPT1 is on the minus strand). VCF-style: chr2-55640644-G-A. GRCh37 (hg19) VCF-style: chr2-55867779-G-A.
Other names: short protein forms Q711*.
Identifiers: ClinVar variation 2826377 (VCV002826377.3), dbSNP rs2529468609, ClinGen allele CA346923571.